The following is an entry in ClinVar:

ClinVar aggregate classification (germline): Uncertain significance (1 of 4 stars; one submission).

Allele frequency attached by ClinVar (database versions not stated): gnomAD 0.00001; TOPMed 0.00002; ExAC 0.00002; ESP Exome Variant Server 0.00008.
gnomAD v4.1: 36 of 1,607,568 alleles (0.0022%); highest among the groups gnomAD compares: South Asian, 0.018%; no homozygotes.

Submission:

Labcorp Genetics (formerly Invitae), Labcorp
Classification: Uncertain significance. Last evaluated: 2022-08-16. Review status: criteria provided, single submitter. Criteria: Invitae Variant Classification Sherloc (09022015). Collection method: clinical testing. Allele origin: germline.
Comment: This sequence change replaces arginine, which is basic and polar, with histidine, which is basic and polar, at codon 60 of the PEX11B protein (p.Arg60His). This variant is present in population databases (rs369123482, gnomAD 0.01%). This variant has not been reported in the literature in individuals affected with PEX11B-related conditions. ClinVar contains an entry for this variant (Variation ID: 1450386). Algorithms developed to predict the effect of missense changes on protein structure and function are either unavailable or do not agree on the potential impact of this missense change (SIFT: "Deleterious"; PolyPhen-2: "Probably Damaging"; Align-GVGD: "Class C0"). In summary, the available evidence is currently insufficient to determine the role of this variant in disease. Therefore, it has been classified as a Variant of Uncertain Significance.

NM_003846.3(PEX11B):c.179G>A (p.Arg60His)

Gene: PEX11B (peroxisomal biogenesis factor 11 beta; minus strand). Cytogenetic location: 1q21.1.
Variant type: single nucleotide variant.
Coding change: c.179G>A on transcript NM_003846.3 (MANE Select); coding-DNA position 179, G replaced by A.
Protein change: p.Arg60His; replaces arginine 60 with histidine.
Molecular consequence: missense variant. On other transcripts: non-coding transcript variant (3).
Genome position (GRCh38, 1-based): chr1:145,917,012, C>T on the plus strand (G>A on the coding strand, the complement: PEX11B is on the minus strand). VCF-style: chr1-145917012-C-T. GRCh37 (hg19) VCF-style: chr1-145518077-G-A.
Other names: c.137G>A, p.Arg46His (NM_001184795.1); short protein forms R46H, R60H.
Identifiers: ClinVar variation 1450386 (VCV001450386.5), dbSNP rs369123482, ClinGen allele CA1055539.